The following is an entry in ClinVar:

NM_004380.3(CREBBP):c.1660T>C (p.Ser554Pro)

Gene: CREBBP (CREB binding lysine acetyltransferase; minus strand). Cytogenetic location: 16p13.3.
Variant type: single nucleotide variant.
Coding change: c.1660T>C on transcript NM_004380.3 (MANE Select); coding-DNA position 1660, T replaced by C.
Protein change: p.Ser554Pro; replaces serine 554 with proline.
Molecular consequence: missense variant.
Genome position (GRCh38, 1-based): chr16:3,781,220, A>G on the plus strand (T>C on the coding strand, the complement: CREBBP is on the minus strand). VCF-style: chr16-3781220-A-G. GRCh37 (hg19) VCF-style: chr16-3831221-A-G.
Other names: c.1546T>C, p.Ser516Pro (NM_001079846.1); short protein forms S516P, S554P.
Identifiers: ClinVar variation 3349542 (VCV003349542.1).

ClinVar aggregate classification (germline): Uncertain significance (0 of 4 stars; one submission).

Conditions:
CREBBP-related disorder. Also called: CREBBP-related condition; CREBBP-related disorders.

Submission:

PreventionGenetics, part of Exact Sciences
Classification: Uncertain significance for CREBBP-related condition. Last evaluated: 2024-09-05. Review status: no assertion criteria provided. Collection method: clinical testing. Allele origin: germline.
Comment: The CREBBP c.1660T>C variant is predicted to result in the amino acid substitution p.Ser554Pro. To our knowledge, this variant has not been reported in the literature or in a large population database, indicating this variant is rare. At this time, the clinical significance of this variant is uncertain due to the absence of conclusive functional and genetic evidence.